The following is an entry in ClinVar:

ClinVar aggregate classification (germline): Uncertain significance. Review status: criteria provided, multiple submitters, no conflicts (2 of 4 stars). 2 submissions from 2 submitters: Uncertain significance (2). Last evaluated 2022-07-31.

Conditions:
Spondyloepimetaphyseal dysplasia-short limb-abnormal calcification syndrome (SMED-SL). Also called: SMED, TYPE II; SMED-SL/AC; Spondylometaepiphyseal dysplasia, short limb-hand type; SMED short limb-hand type; SMED type 2; Spondylometaepiphyseal dysplasia short limb-abnormal calcification type. Identifiers: Orphanet 93358, MedGen C1849011, MONDO:0010077, OMIM 271665.

gnomAD v4.1: 2 of 1,614,110 alleles (0.00012%); highest among the groups gnomAD compares: Admixed American, 0.0017%; no homozygotes.

Submissions (2):

Women's Health and Genetics/Laboratory Corporation of America, LabCorp
Classification: Uncertain significance. Last evaluated: 2022-07-31. Review status: criteria provided, single submitter. Criteria: LabCorp Variant Classification Summary - May 2015. Collection method: clinical testing. Allele origin: germline.
Comment: Variant summary: DDR2 c.1421T>C (p.Ile474Thr) results in a non-conservative amino acid change in the encoded protein sequence. Three of five in-silico tools predict a damaging effect of the variant on protein function. The variant allele was found at a frequency of 4e-06 in 251364 control chromosomes. The available data on variant occurrences in the general population are insufficient to allow any conclusion about variant significance. To our knowledge, no occurrence of c.1421T>C in individuals affected with Warburg-Cinotti Syndrome/DDR2-related phenotypes and no experimental evidence demonstrating its impact on protein function have been reported. No clinical diagnostic laboratories have submitted clinical-significance assessments for this variant to ClinVar after 2014. Based on the evidence outlined above, the variant was classified as uncertain significance.

Baylor Genetics
Classification: Uncertain significance for Spondyloepimetaphyseal dysplasia-short limb-abnormal calcification syndrome. Last evaluated: 2021-04-24. Review status: criteria provided, single submitter. Criteria: ACMG Guidelines, 2015. Collection method: clinical testing. Allele origin: unknown.

NM_006182.4(DDR2):c.1421T>C (p.Ile474Thr)

Gene: DDR2 (discoidin domain receptor tyrosine kinase 2; plus strand). Cytogenetic location: 1q23.3.
Variant type: single nucleotide variant.
Coding change: c.1421T>C on transcript NM_006182.4 (MANE Select); coding-DNA position 1421, T replaced by C.
Protein change: p.Ile474Thr; replaces isoleucine 474 with threonine.
Molecular consequence: missense variant.
Genome position (GRCh38, 1-based): chr1:162,770,429, T>C. VCF-style: chr1-162770429-T-C. GRCh37 (hg19) VCF-style: chr1-162740219-T-C.
Other names: c.1421T>C, p.Ile474Thr (NM_001014796.3, NM_001354982.2, NM_001354983.2); short protein forms I474T.
Identifiers: ClinVar variation 1704552 (VCV001704552.2), dbSNP rs958394700, ClinGen allele CA343411212.